The following is an entry in ClinVar:

ClinVar aggregate classification (germline): Uncertain significance (1 of 4 stars; one submission).

Conditions:
SLC34A1-related disorder. Also called: SLC34A1-related condition; SLC34A1-related disorders.

Submission:

PreventionGenetics, part of Exact Sciences
Classification: Uncertain significance for SLC34A1-related condition. Last evaluated: 2025-02-27. Review status: criteria provided, single submitter. Criteria: ACMG Guidelines, 2015. Collection method: clinical testing. Allele origin: germline.
Comment: The SLC34A1 c.1223_1225delTGG variant is predicted to result in an in-frame deletion (p.Val408del). To our knowledge, this variant has not been reported in the literature or in a large population database (gnomAD), indicating this variant is rare. Missense variants in the p.Val408 position have been reported in the heterozygous or compound heterozygous state in individuals with SLC34A1-related disorders (p.Val408Glu in Table S2, Schlingmann et al. 2016. PubMed ID: 26047794; p.Val408Met, Hureaux et al. 2019. PubMed ID: 31672324). At this time, the clinical significance of the c.1223_1225del (p.Val408del) variant is uncertain due to the absence of conclusive functional and genetic evidence.

NM_003052.5(SLC34A1):c.1217TGG[2] (p.Val408del)

Gene: SLC34A1 (solute carrier family 34 member 1; plus strand). Cytogenetic location: 5q35.3.
Variant type: Microsatellite.
Coding change: c.1217TGG[2] on transcript NM_003052.5 (MANE Select); two copies in a row of the 3-base unit TGG starting at c.1217; the reference has three copies in a row; one copy, 3 bases deleted.
Protein change: p.Val408del; deletes valine 408.
Molecular consequence: inframe deletion.
Genome position (GRCh38, 1-based): chr5:177,396,781-177,396,783, TGG deleted; deleting any 3 consecutive bases within chr5:177,396,775-177,396,783 gives the same sequence; the position shown is the placement nearest the transcript's 3' end. VCF-style (leftmost placement, unchanged base first): chr5-177396774-ATGG-A. GRCh37 (hg19) VCF-style: chr5-176823775-ATGG-A.
Other names: short protein forms V408del.
Identifiers: ClinVar variation 4985935 (VCV004985935.1).